The following is an entry in ClinVar:

NM_020937.4(FANCM):c.2894A>G (p.Glu965Gly)

Gene: FANCM (FA complementation group M; plus strand). Cytogenetic location: 14q21.2.
Variant type: single nucleotide variant.
Coding change: c.2894A>G on transcript NM_020937.4 (MANE Select); coding-DNA position 2894, A replaced by G.
Protein change: p.Glu965Gly; replaces glutamic acid 965 with glycine.
Molecular consequence: missense variant.
Genome position (GRCh38, 1-based): chr14:45,175,648, A>G. VCF-style: chr14-45175648-A-G. GRCh37 (hg19) VCF-style: chr14-45644851-A-G.
Other names: c.2816A>G, p.Glu939Gly (NM_001308133.2); short protein forms E965G, E939G.
Identifiers: ClinVar variation 3848554 (VCV003848554.1).
Genomic context (GRCh38, chr14:45,175,648, plus strand): 5'-GTTATAACAGTTTCAATGATGAAAAATCTGTTTCATCTAACTTATTTCTTCCATTCGAAG[A>G]AGAGCTTTATATTGTTAGAACAGATGACCAATTTTATAATTGTCACTCATTGACAAAAGA-3'
Protein context (NP_065988.1, residues 955-975): VSSNLFLPFE[Glu965Gly]ELYIVRTDDQ

ClinVar aggregate classification (germline): Uncertain significance (1 of 4 stars; one submission).

Conditions:
Inborn genetic diseases. Identifiers: MedGen C0950123, MeSH D030342.

Submission:

Ambry Genetics
Classification: Uncertain significance for Inborn genetic diseases. Last evaluated: 2024-12-28. Review status: criteria provided, single submitter. Criteria: Ambry Variant Classification Scheme 2023. Collection method: clinical testing. Allele origin: germline.
Comment: The p.E965G variant (also known as c.2894A>G), located in coding exon 14 of the FANCM gene, results from an A to G substitution at nucleotide position 2894. The glutamic acid at codon 965 is replaced by glycine, an amino acid with similar properties. This amino acid position is conserved. In addition, this alteration is predicted to be tolerated by in silico analysis. Based on the available evidence, the clinical significance of this variant remains unclear.